The following is an entry in ClinVar:

ClinVar aggregate classification (germline): Uncertain significance (1 of 4 stars; one submission).

Submission:

GeneDx
Classification: Uncertain significance. Last evaluated: 2026-02-03. Review status: criteria provided, single submitter. Criteria: GeneDx Variant Classification Process June 2021. Collection method: clinical testing. Allele origin: germline.
Comment: Not observed at significant frequency in large population cohorts (gnomAD); In-frame deletion of 1 amino acid(s) in a non-repeat region; In silico analysis supports a deleterious effect on protein structure/function; Has not been previously published as pathogenic or benign to our knowledge

NM_001142864.4(PIEZO1):c.2962_2964del (p.Asn988del)

Genes: HSALR1 (HSP90AB1 associated lncRNA 1; plus strand), PIEZO1 (piezo type mechanosensitive ion channel component 1 (Er blood group); minus strand). Cytogenetic location: 16q24.3.
Variant type: Deletion.
Coding change: c.2962_2964del on transcript NM_001142864.4 (MANE Select); coding-DNA positions 2962 to 2964, 3 bases deleted (AAC; older notation c.2962_2964delAAC).
Protein change: p.Asn988del; deletes asparagine 988.
Molecular consequence: inframe deletion.
Genome position (GRCh38, 1-based): chr16:88,732,362-88,732,364, GTT deleted on the plus strand (AAC on the coding strand, the reverse complement: PIEZO1 is on the minus strand); deleting any 3 consecutive bases within chr16:88,732,362-88,732,365 gives the same sequence; the c. name uses the placement nearest the transcript's 3' end. VCF-style (leftmost placement, unchanged base first): chr16-88732361-AGTT-A. GRCh37 (hg19) VCF-style: chr16-88798769-AGTT-A.
Other names: short protein forms N988del.
Identifiers: ClinVar variation 4975937 (VCV004975937.1).